The following is an entry in ClinVar:

NM_000023.4(SGCA):c.313_319del (p.Val105Profs)

Gene: SGCA (sarcoglycan alpha; plus strand). Cytogenetic location: 17q21.33.
Variant type: Deletion.
Coding change: c.313_319del on transcript NM_000023.4 (MANE Select); coding-DNA positions 313 to 319, 7 bases deleted (GTCACAG; older notation c.313_319delGTCACAG).
Protein change: p.Val105Profs; shifts the reading frame from valine 105.
Molecular consequence: splice acceptor variant.
Genome position (GRCh38, 1-based): chr17:50,167,947-50,167,953, GTCACAG deleted; deleting any 7 consecutive bases within chr17:50,167,944-50,167,953 gives the same sequence; the c. name uses the placement nearest the transcript's 3' end. VCF-style (leftmost placement, unchanged base first): chr17-50167943-CCAGGTCA-C. GRCh37 (hg19) VCF-style: chr17-48245304-CCAGGTCA-C.
Other names: c.313_319del7 (NM_000023.2).
Identifiers: ClinVar variation 551197 (VCV000551197.12), ClinGen allele CA658824850.

ClinVar aggregate classification (germline): Pathogenic/Likely pathogenic. Review status: criteria provided, multiple submitters, no conflicts (2 of 4 stars). 4 submissions from 4 submitters: Pathogenic (1); Likely pathogenic (2). 1 of the submissions does not count toward it. Last evaluated 2024-03-12.

Conditions:
Autosomal recessive limb-girdle muscular dystrophy type 2D (LGMDR3). Also called: MUSCULAR DYSTROPHY, LIMB-GIRDLE, AUTOSOMAL RECESSIVE 3; DUCHENNE-LIKE AUTOSOMAL RECESSIVE MUSCULAR DYSTROPHY, TYPE 2; ADHALINOPATHY, PRIMARY. Identifiers: Orphanet 62, MedGen C2936332, MONDO:0011968, OMIM 608099. Disease mechanism: Affects gamma-sarcoglycan and also disrupts the integrity of the entire sarcoglycan complex..

Submissions (4):

Baylor Genetics
Classification: Likely pathogenic for Autosomal recessive limb-girdle muscular dystrophy type 2D. Last evaluated: 2024-03-12. Review status: criteria provided, single submitter. Criteria: ACMG Guidelines, 2015. Collection method: clinical testing. Allele origin: unknown.

Genome-Nilou Lab
Classification: Likely pathogenic for Autosomal recessive limb-girdle muscular dystrophy type 2D. Last evaluated: 2023-02-08. Review status: criteria provided, single submitter. Criteria: ACMG Guidelines, 2015. Collection method: clinical testing. Allele origin: germline.

Labcorp Genetics (formerly Invitae), Labcorp
Classification: Pathogenic for Autosomal recessive limb-girdle muscular dystrophy type 2D. Last evaluated: 2021-10-14. Review status: criteria provided, single submitter. Criteria: Invitae Variant Classification Sherloc (09022015). Collection method: clinical testing. Allele origin: germline.
Comment: This sequence change creates a premature translational stop signal (p.Val105Profs*104) in the SGCA gene. It is expected to result in an absent or disrupted protein product. Loss-of-function variants in SGCA are known to be pathogenic (PMID: 9192266). This variant is not present in population databases (ExAC no frequency). This variant has not been reported in the literature in individuals affected with SGCA-related conditions. ClinVar contains an entry for this variant (Variation ID: 551197). Algorithms developed to predict the effect of sequence changes on RNA splicing suggest that this variant may disrupt the consensus splice site. For these reasons, this variant has been classified as Pathogenic.

Counsyl
Classification: Likely pathogenic for Autosomal recessive limb-girdle muscular dystrophy type 2D. Last evaluated: 2017-03-24. Review status: no assertion criteria provided. Collection method: clinical testing. Allele origin: unknown. Not counted in ClinVar's aggregate classification.

Literature cited by the submitters: PubMed 9192266 (cited by Labcorp Genetics (formerly Invitae), Labcorp).